The following is an entry in ClinVar:

NM_000268.4(NF2):c.1585A>G (p.Met529Val)

Gene: NF2 (NF2, moesin-ezrin-radixin like (MERLIN) tumor suppressor; plus strand). Cytogenetic location: 22q12.2.
Variant type: single nucleotide variant.
Coding change: c.1585A>G on transcript NM_000268.4 (MANE Select); coding-DNA position 1585, A replaced by G.
Protein change: p.Met529Val; replaces methionine 529 with valine.
Molecular consequence: missense variant. On other transcripts: non-coding transcript variant (1), intron variant (1).
Genome position (GRCh38, 1-based): chr22:29,681,449, A>G. VCF-style: chr22-29681449-A-G. GRCh37 (hg19) VCF-style: chr22-30077438-A-G.
Other names: c.1585A>G, p.Met529Val (NM_016418.5, NM_181825.3, NM_181832.3); c.1459A>G, p.Met487Val (NM_181828.3); c.1462A>G, p.Met488Val (NM_181829.3); c.1336A>G, p.Met446Val (NM_181830.3, NM_181831.3); c.448-13303A>G (NM_181833.3); short protein forms M529V, M446V, M488V, M487V.
Identifiers: ClinVar variation 1043361 (VCV001043361.14), dbSNP rs1456599218, ClinGen allele CA411150008.

ClinVar aggregate classification (germline): Conflicting classifications of pathogenicity. Review status: criteria provided, conflicting classifications (1 of 4 stars). 4 submissions from 4 submitters: Uncertain significance (3); Likely benign (1). Last evaluated 2025-04-21.

Conditions:
Familial meningioma. Also called: Meningioma, familial, susceptibility to. Identifiers: Orphanet 263662, MedGen C3551915, MONDO:0011789, OMIM 607174.
Neurofibromatosis, type 2 (SWNV). Also called: BILATERAL ACOUSTIC NEUROFIBROMATOSIS; NF2-Related Schwannomatosis; SCHWANNOMATOSIS, VESTIBULAR. Identifiers: Orphanet 637, MedGen C0027832, MONDO:0007039, OMIM 101000. Disease mechanism: loss of function.
Hereditary cancer-predisposing syndrome. Also called: Neoplastic Syndromes, Hereditary; Hereditary Cancer Syndrome; Hereditary neoplastic syndrome; Tumor predisposition. Identifiers: Orphanet 140162, MedGen C0027672, MeSH D009386, MONDO:0015356.

Submissions (4):

Labcorp Genetics (formerly Invitae), Labcorp
Classification: Uncertain significance for Neurofibromatosis, type 2. Last evaluated: 2025-04-21. Review status: criteria provided, single submitter. Criteria: Invitae Variant Classification Sherloc (09022015). Collection method: clinical testing. Allele origin: germline.
Comment: This sequence change replaces methionine, which is neutral and non-polar, with valine, which is neutral and non-polar, at codon 529 of the NF2 protein (p.Met529Val). This variant is not present in population databases (gnomAD no frequency). This variant has not been reported in the literature in individuals affected with NF2-related conditions. ClinVar contains an entry for this variant (Variation ID: 1043361). Invitae Evidence Modeling of protein sequence and biophysical properties (such as structural, functional, and spatial information, amino acid conservation, physicochemical variation, residue mobility, and thermodynamic stability) indicates that this missense variant is not expected to disrupt NF2 protein function with a negative predictive value of 80%. In summary, the available evidence is currently insufficient to determine the role of this variant in disease. Therefore, it has been classified as a Variant of Uncertain Significance.

Ambry Genetics
Classification: Uncertain significance for Hereditary cancer-predisposing syndrome. Last evaluated: 2024-11-23. Review status: criteria provided, single submitter. Criteria: Ambry Variant Classification Scheme 2023. Collection method: clinical testing. Allele origin: germline.
Comment: The p.M529V variant (also known as c.1585A>G), located in coding exon 15 of the NF2 gene, results from an A to G substitution at nucleotide position 1585. The methionine at codon 529 is replaced by valine, an amino acid with highly similar properties. This amino acid position is conserved. In addition, the in silico prediction for this alteration is inconclusive. Since supporting evidence is limited at this time, the clinical significance of this alteration remains unclear.

3billion
Classification: Likely benign for Neurofibromatosis, type 2; Familial meningioma. Last evaluated: 2024-09-20. Review status: criteria provided, single submitter. Criteria: ACMG Guidelines, 2015. Collection method: clinical testing. Allele origin: germline. Affected: no.
Comment: The variant was identified in at least one patient who was diagnosed with a different variant in another gene and showed no symptoms related to the gene containing the variant in question.

Baylor Genetics
Classification: Uncertain significance for Familial meningioma. Last evaluated: 2023-12-19. Review status: criteria provided, single submitter. Criteria: ACMG Guidelines, 2015. Collection method: clinical testing. Allele origin: unknown.